The following is an entry in ClinVar:

NM_000057.4(BLM):c.1079A>G (p.Asp360Gly)

Gene: BLM (BLM RecQ like helicase; plus strand). Cytogenetic location: 15q26.1.
Variant type: single nucleotide variant.
Coding change: c.1079A>G on transcript NM_000057.4 (MANE Select); coding-DNA position 1079, A replaced by G.
Protein change: p.Asp360Gly; replaces aspartic acid 360 with glycine.
Molecular consequence: missense variant. On other transcripts: 5 prime UTR variant (1).
Genome position (GRCh38, 1-based): chr15:90,754,930, A>G. VCF-style: chr15-90754930-A-G. GRCh37 (hg19) VCF-style: chr15-91298160-A-G.
Other names: c.1079A>G, p.Asp360Gly (NM_001287246.2, NM_001287247.2); c.-213A>G (NM_001287248.2); short protein forms D360G.
Identifiers: ClinVar variation 2770891 (VCV002770891.3), dbSNP rs2505407537, ClinGen allele CA393842247.

ClinVar aggregate classification (germline): Uncertain significance (1 of 4 stars; one submission).

Conditions:
Bloom syndrome (BLM). Also called: Bloom-Torre-Machacek syndrome. Identifiers: Orphanet 125, MedGen C0005859, MONDO:0008876, OMIM 210900.

Allele frequency attached by ClinVar (database versions not stated): gnomAD exomes below 0.00001.

Submission:

Labcorp Genetics (formerly Invitae), Labcorp
Classification: Uncertain significance for Bloom syndrome. Last evaluated: 2023-10-22. Review status: criteria provided, single submitter. Criteria: Invitae Variant Classification Sherloc (09022015). Collection method: clinical testing. Allele origin: germline.
Comment: This sequence change replaces aspartic acid, which is acidic and polar, with glycine, which is neutral and non-polar, at codon 360 of the BLM protein (p.Asp360Gly). This variant is not present in population databases (gnomAD no frequency). This variant has not been reported in the literature in individuals affected with BLM-related conditions. Advanced modeling of protein sequence and biophysical properties (such as structural, functional, and spatial information, amino acid conservation, physicochemical variation, residue mobility, and thermodynamic stability) performed at Invitae indicates that this missense variant is not expected to disrupt BLM protein function. In summary, the available evidence is currently insufficient to determine the role of this variant in disease. Therefore, it has been classified as a Variant of Uncertain Significance.